The following is an entry in ClinVar:

NM_000388.4(CASR):c.2810C>T (p.Ala937Val)

Gene: CASR (calcium sensing receptor; plus strand). Cytogenetic location: 3q21.1.
Variant type: single nucleotide variant.
Coding change: c.2810C>T on transcript NM_000388.4 (MANE Select); coding-DNA position 2810, C replaced by T.
Protein change: p.Ala937Val; replaces alanine 937 with valine.
Molecular consequence: missense variant.
Genome position (GRCh38, 1-based): chr3:122,284,764, C>T. VCF-style: chr3-122284764-C-T. GRCh37 (hg19) VCF-style: chr3-122003611-C-T.
Other names: c.2840C>T, p.Ala947Val (NM_001178065.2); short protein forms A947V, A937V.
Identifiers: ClinVar variation 2937244 (VCV002937244.3), dbSNP rs776103561, ClinGen allele CA354160820.

ClinVar aggregate classification (germline): Uncertain significance (1 of 4 stars; one submission).

Conditions:
Familial hypocalciuric hypercalcemia (FHH). Also called: Familial benign hypercalcemia. Identifiers: Orphanet 405, MedGen C1809471, MONDO:0018458.
Autosomal dominant hypocalcemia 1 (HYPOC1). Also called: HYPOCALCEMIA, FAMILIAL. Identifiers: MedGen C3715128, MONDO:0011013, OMIM 601198.

Allele frequency attached by ClinVar (database versions not stated): TOPMed below 0.00001.

Submission:

Labcorp Genetics (formerly Invitae), Labcorp
Classification: Uncertain significance for Familial hypocalciuric hypercalcemia; Autosomal dominant hypocalcemia 1. Last evaluated: 2023-08-03. Review status: criteria provided, single submitter. Criteria: Invitae Variant Classification Sherloc (09022015). Collection method: clinical testing. Allele origin: germline.
Comment: This sequence change replaces alanine, which is neutral and non-polar, with valine, which is neutral and non-polar, at codon 937 of the CASR protein (p.Ala937Val). This variant is not present in population databases (gnomAD no frequency). This variant has not been reported in the literature in individuals affected with CASR-related conditions. An algorithm developed to predict the effect of missense changes on protein structure and function (PolyPhen-2) suggests that this variant is likely to be tolerated. In summary, the available evidence is currently insufficient to determine the role of this variant in disease. Therefore, it has been classified as a Variant of Uncertain Significance.